The following is an entry in ClinVar:

NM_002742.3(PRKD1):c.1792T>G (p.Tyr598Asp)

Gene: PRKD1 (protein kinase D1; minus strand). Cytogenetic location: 14q12.
Variant type: single nucleotide variant.
Coding change: c.1792T>G on transcript NM_002742.3 (MANE Select); coding-DNA position 1792, T replaced by G.
Protein change: p.Tyr598Asp; replaces tyrosine 598 with aspartic acid.
Molecular consequence: missense variant.
Genome position (GRCh38, 1-based): chr14:29,626,490, A>C on the plus strand (T>G on the coding strand, the complement: PRKD1 is on the minus strand). VCF-style: chr14-29626490-A-C. GRCh37 (hg19) VCF-style: chr14-30095696-A-C.
Other names: c.1816T>G, p.Tyr606Asp (NM_001330069.2); c.1528T>G, p.Tyr510Asp (NM_001348390.1); short protein forms Y510D, Y598D, Y606D.
Identifiers: ClinVar variation 2572890 (VCV002572890.2), dbSNP rs2502543328, ClinGen allele CA389333890.

ClinVar aggregate classification (germline): Uncertain significance (1 of 4 stars; one submission).

Submission:

GeneDx
Classification: Uncertain significance. Last evaluated: 2024-09-16. Review status: criteria provided, single submitter. Criteria: GeneDx Variant Classification Process June 2021. Collection method: clinical testing. Allele origin: germline. Affected: yes.
Comment: Not observed at significant frequency in large population cohorts (gnomAD); In silico analysis supports that this missense variant has a deleterious effect on protein structure/function; Has not been previously published as pathogenic or benign to our knowledge